The following is an entry in ClinVar:

NM_001042432.2(CLN3):c.244A>T (p.Ile82Phe)

Gene: CLN3 (CLN3 lysosomal/endosomal transmembrane protein, battenin; minus strand). Cytogenetic location: 16p12.1.
Variant type: single nucleotide variant.
Coding change: c.244A>T on transcript NM_001042432.2 (MANE Select); coding-DNA position 244, A replaced by T.
Protein change: p.Ile82Phe; replaces isoleucine 82 with phenylalanine.
Molecular consequence: missense variant. On other transcripts: synonymous variant (1), intron variant (2).
Genome position (GRCh38, 1-based): chr16:28,488,641, T>A on the plus strand (A>T on the coding strand, the complement: CLN3 is on the minus strand). VCF-style: chr16-28488641-T-A. GRCh37 (hg19) VCF-style: chr16-28499962-T-A.
Other names: c.244A>T (NM_001042432.1); c.244A>T, p.Ile82Phe (NM_000086.2); c.24A>T, p.Arg8= (NM_001286105.2); c.82A>T, p.Ile28Phe (NM_001286110.2); c.60+649A>T (NM_001286109.2); c.222+649A>T (NM_001286104.2); short protein forms I28F, I82F.
Identifiers: ClinVar variation 1001005 (VCV001001005.9), dbSNP rs370020452, ClinGen allele CA7981005.

ClinVar aggregate classification (germline): Uncertain significance. Review status: criteria provided, multiple submitters, no conflicts (2 of 4 stars). 2 submissions from 2 submitters: Uncertain significance (2). Last evaluated 2025-06-07.

Conditions:
Inborn genetic diseases. Identifiers: MedGen C0950123, MeSH D030342.
Neuronal ceroid lipofuscinosis. Also called: Neuronal Ceroid Lipofuscinoses. Identifiers: Orphanet 216, Orphanet 79263, MedGen C0027877, MONDO:0016295. Disease mechanism: loss of function.

Allele frequency attached by ClinVar (database versions not stated): gnomAD exomes below 0.00001; ExAC 0.00001; TOPMed 0.00002; gnomAD 0.00005 and 0.00006; ESP Exome Variant Server 0.00008.
gnomAD v4.1: 8 of 1,613,974 alleles (0.0005%); highest among the groups gnomAD compares: African/African-American, 0.011%; no homozygotes.

Submissions (2):

Ambry Genetics
Classification: Uncertain significance for Inborn genetic diseases. Last evaluated: 2025-06-07. Review status: criteria provided, single submitter. Criteria: Ambry Variant Classification Scheme 2023. Collection method: clinical testing. Allele origin: germline.

Labcorp Genetics (formerly Invitae), Labcorp
Classification: Uncertain significance for Neuronal ceroid lipofuscinosis. Last evaluated: 2024-11-04. Review status: criteria provided, single submitter. Criteria: Invitae Variant Classification Sherloc (09022015). Collection method: clinical testing. Allele origin: germline.
Comment: This sequence change replaces isoleucine, which is neutral and non-polar, with phenylalanine, which is neutral and non-polar, at codon 82 of the CLN3 protein (p.Ile82Phe). This variant is present in population databases (rs370020452, gnomAD 0.02%). This variant has not been reported in the literature in individuals affected with CLN3-related conditions. ClinVar contains an entry for this variant (Variation ID: 1001005). Invitae Evidence Modeling of protein sequence and biophysical properties (such as structural, functional, and spatial information, amino acid conservation, physicochemical variation, residue mobility, and thermodynamic stability) indicates that this missense variant is not expected to disrupt CLN3 protein function with a negative predictive value of 80%. In summary, the available evidence is currently insufficient to determine the role of this variant in disease. Therefore, it has been classified as a Variant of Uncertain Significance.